The following is an entry in ClinVar:

NM_003238.6(TGFB2):c.305A>G (p.Glu102Gly)

Gene: TGFB2 (transforming growth factor beta 2; plus strand). Cytogenetic location: 1q41.
Variant type: single nucleotide variant.
Coding change: c.305A>G on transcript NM_003238.6 (MANE Select); coding-DNA position 305, A replaced by G.
Protein change: p.Glu102Gly; replaces glutamic acid 102 with glycine.
Molecular consequence: missense variant. On other transcripts: non-coding transcript variant (2).
Genome position (GRCh38, 1-based): chr1:218,347,006, A>G. VCF-style: chr1-218347006-A-G. GRCh37 (hg19) VCF-style: chr1-218520348-A-G.
Other names: c.305A>G, p.Glu102Gly (NM_001135599.4); c.305A>G (NM_003238.3); short protein forms E102G.
Identifiers: ClinVar variation 1061180 (VCV001061180.12), dbSNP rs967581444, ClinGen allele CA37544741.

ClinVar aggregate classification (germline): Uncertain significance. Review status: criteria provided, multiple submitters, no conflicts (2 of 4 stars). 2 submissions from 2 submitters: Uncertain significance (2). Last evaluated 2025-11-12.

Conditions:
Loeys-Dietz syndrome 4 (LDS4). Also called: ANEURYSM, AORTIC AND CEREBRAL, WITH ARTERIAL TORTUOSITY AND SKELETAL MANIFESTATIONS; TGFB2-Related Loeys-Dietz Syndrome. Identifiers: MedGen C3553762, MONDO:0013897, OMIM 614816.
Familial thoracic aortic aneurysm and aortic dissection (TAAD). Also called: Thoracic aortic aneurysms and dissections. Identifiers: Orphanet 91387, MedGen C4707243, MONDO:0019625.

Allele frequency attached by ClinVar (database versions not stated): gnomAD exomes below 0.00001; gnomAD 0.00001; TOPMed 0.00001.

Submissions (2):

Ambry Genetics
Classification: Uncertain significance for Familial thoracic aortic aneurysm and aortic dissection. Last evaluated: 2025-11-12. Review status: criteria provided, single submitter. Criteria: Ambry Variant Classification Scheme 2023. Collection method: clinical testing. Allele origin: germline.

Labcorp Genetics (formerly Invitae), Labcorp
Classification: Uncertain significance for Loeys-Dietz syndrome 4. Last evaluated: 2025-11-04. Review status: criteria provided, single submitter. Criteria: Invitae Variant Classification Sherloc (09022015). Collection method: clinical testing. Allele origin: germline.
Comment: This sequence change replaces glutamic acid, which is acidic and polar, with glycine, which is neutral and non-polar, at codon 102 of the TGFB2 protein (p.Glu102Gly). The frequency data for this variant in the population databases is considered unreliable, as metrics indicate poor data quality at this position in the gnomAD database. This variant has not been reported in the literature in individuals affected with TGFB2-related conditions. ClinVar contains an entry for this variant (Variation ID: 1061180). Invitae Evidence Modeling of protein sequence and biophysical properties (such as structural, functional, and spatial information, amino acid conservation, physicochemical variation, residue mobility, and thermodynamic stability) has been performed for this missense variant. However, the output from this modeling did not meet the statistical confidence thresholds required to predict the impact of this variant on TGFB2 protein function. In summary, the available evidence is currently insufficient to determine the role of this variant in disease. Therefore, it has been classified as a Variant of Uncertain Significance.